The following is an entry in ClinVar:

NM_000334.4(SCN4A):c.1755C>T (p.Thr585=)

Gene: SCN4A (sodium voltage-gated channel alpha subunit 4; minus strand). Cytogenetic location: 17q23.3.
Variant type: single nucleotide variant.
Coding change: c.1755C>T on transcript NM_000334.4 (MANE Select); coding-DNA position 1755, C replaced by T.
Protein change: p.Thr585=; no amino-acid change (threonine 585 retained).
Molecular consequence: synonymous variant.
Genome position (GRCh38, 1-based): chr17:63,961,283, G>A on the plus strand (C>T on the coding strand, the complement: SCN4A is on the minus strand). VCF-style: chr17-63961283-G-A. GRCh37 (hg19) VCF-style: chr17-62038643-G-A.
Identifiers: ClinVar variation 1591292 (VCV001591292.26), dbSNP rs1208231013, ClinGen allele CA501349112.
Genomic context (GRCh38, chr17:63,961,283, plus strand): 5'-GTGCTCCGTCATGGGGTAATGTTCCATGGCCATGAAGAGGGTGTTGAGCACGATGCAGAT[G>A]GTGATGCCCAGGTCCACGAACGGGTCCATGACGATCAGGTGGATGATGTTCTTGAACTTC-3'
Protein context (NP_000325.4, residues 575-595): VMDPFVDLGI[Thr585=]ICIVLNTLFM

ClinVar aggregate classification (germline): Conflicting classifications of pathogenicity. Review status: criteria provided, conflicting classifications (1 of 4 stars). 3 submissions from 3 submitters: Uncertain significance (1); Likely benign (2). Last evaluated 2025-02-28.

Conditions:
Hyperkalemic periodic paralysis. Also called: Familial hyperkalemic periodic paralysis; Gamstorp disease. Identifiers: Orphanet 682, MedGen C0238357, MONDO:0008224, OMIM 170500, HP:0007215.
Potassium-aggravated myotonia. Also called: MYOTONIA CONGENITA, ACETAZOLAMIDE-RESPONSIVE; MYOTONIA CONGENITA, ATYPICAL; SODIUM CHANNEL MUSCLE DISEASE; Myotonia congenita, atypical, acetazolamide-responsive. Identifiers: Orphanet 612, Orphanet 99734, Orphanet 99735, Orphanet 99736, MedGen C2931826, MONDO:0018959, OMIM 608390.
Hypokalemic periodic paralysis, type 1. Also called: HypoPP; Hypokalemic Periodic Paralysis Type 1 (AD). Identifiers: Orphanet 681, MedGen C3714580, MONDO:0042979, OMIM 170400.
Paramyotonia congenita of Von Eulenburg. Also called: PARALYSIS PERIODICA PARAMYOTONICA; Paramyotonia Congenita; Eulenburg disease; Myotonia congenita intermittens; Von Eulenburg paramyotonia congenita. Identifiers: Orphanet 684, MedGen C0221055, MONDO:0008195, OMIM 168300. Disease mechanism: loss of function.
Hypokalemic periodic paralysis, type 2 (HOKPP2). Identifiers: Orphanet 681, MedGen C2750061, MONDO:0013234, OMIM 613345.
Congenital myasthenic syndrome 16. Identifiers: Orphanet 590, MedGen C3280112, MONDO:0013620, OMIM 614198.

Allele frequency attached by ClinVar (database versions not stated): gnomAD exomes below 0.00001 and 0.00002; gnomAD 0.00001; TOPMed 0.00001.
gnomAD v4.1: 45 of 1,612,828 alleles (0.0028%); highest among the groups gnomAD compares: Non-Finnish European, 0.0031%; no homozygotes.

Submissions (3):

Labcorp Genetics (formerly Invitae), Labcorp
Classification: Likely benign for Hyperkalemic periodic paralysis. Last evaluated: 2025-02-28. Review status: criteria provided, single submitter. Criteria: Invitae Variant Classification Sherloc (09022015). Collection method: clinical testing. Allele origin: germline.

CeGaT Center for Human Genetics Tuebingen
Classification: Uncertain significance. Last evaluated: 2024-07-01. Review status: criteria provided, single submitter. Criteria: CeGaT Center For Human Genetics Tuebingen Variant Classification Criteria Version 2. Collection method: clinical testing. Allele origin: germline. Affected: yes. Observed: 1 variant allele.
Comment: SCN4A: PM2:Supporting, BP4

Fulgent Genetics
Classification: Likely benign for Paramyotonia congenita of Von Eulenburg; Hypokalemic periodic paralysis, type 1; Hyperkalemic periodic paralysis; Potassium-aggravated myotonia; Hypokalemic periodic paralysis, type 2; Congenital myasthenic syndrome 16. Last evaluated: 2021-12-30. Review status: criteria provided, single submitter. Criteria: ACMG Guidelines, 2015. Collection method: clinical testing. Allele origin: unknown.